The following is an entry in ClinVar:

ClinVar aggregate classification (germline): Benign/Likely benign. Review status: criteria provided, multiple submitters, no conflicts (2 of 4 stars). 2 submissions from 2 submitters: Benign (1); Likely benign (1). Last evaluated 2026-01-16.

Allele frequency attached by ClinVar (database versions not stated): gnomAD 0.00004; gnomAD exomes 0.00004 and 0.00012; TOPMed 0.00006; ExAC 0.00015; 1000 Genomes Project 30x 0.00016; 1000 Genomes Project 0.00020.
gnomAD v4.1: 60 of 1,581,690 alleles (0.0038%); highest among the groups gnomAD compares: Admixed American, 0.036%; 1 homozygote.

Submissions (2):

Women's Health and Genetics/Laboratory Corporation of America, LabCorp
Classification: Benign. Last evaluated: 2026-01-16. Review status: criteria provided, single submitter. Criteria: LabCorp Variant Classification Summary - May 2015. Collection method: clinical testing. Allele origin: germline.

GeneDx
Classification: Likely benign. Last evaluated: 2017-02-03. Review status: criteria provided, single submitter. Criteria: GeneDx Variant Classification (06012015). Collection method: clinical testing. Allele origin: germline. Affected: yes.
Comment: This variant is considered likely benign or benign based on one or more of the following criteria: it is a conservative change, it occurs at a poorly conserved position in the protein, it is predicted to be benign by multiple in silico algorithms, and/or has population frequency not consistent with disease.

NM_014476.6(PDLIM3):c.-9G>T

Gene: PDLIM3 (PDZ and LIM domain 3; minus strand). Cytogenetic location: 4q35.1.
Variant type: single nucleotide variant.
Coding change: c.-9G>T on transcript NM_014476.6 (MANE Select); 9 bases upstream of the start codon, G replaced by T.
Molecular consequence: 5 prime UTR variant. On other transcripts: non-coding transcript variant (1).
Genome position (GRCh38, 1-based): chr4:185,535,443, C>A on the plus strand (G>T on the coding strand, the complement: PDLIM3 is on the minus strand). VCF-style: chr4-185535443-C-A. GRCh37 (hg19) VCF-style: chr4-186456597-C-A.
Other names: c.-9G>T (NM_001114107.5, NM_001257962.2, NM_001257963.2).
Identifiers: ClinVar variation 507190 (VCV000507190.2), dbSNP rs535278911, ClinGen allele CA3159937.